The following is an entry in ClinVar:

NM_001267550.2(TTN):c.66847G>A (p.Val22283Ile)

Genes: TTN-AS1 (TTN antisense RNA 1; plus strand), TTN (titin; minus strand). Cytogenetic location: 2q31.2.
Variant type: single nucleotide variant.
Coding change: c.66847G>A on transcript NM_001267550.2 (MANE Select); coding-DNA position 66847, G replaced by A.
Protein change: p.Val22283Ile; replaces valine 22283 with isoleucine.
Molecular consequence: missense variant.
Genome position (GRCh38, 1-based): chr2:178,580,532, C>T on the plus strand (G>A on the coding strand, the complement: TTN is on the minus strand). VCF-style: chr2-178580532-C-T. GRCh37 (hg19) VCF-style: chr2-179445259-C-T.
Other names: c.61924G>A, p.Val20642Ile (NM_001256850.1); c.39652G>A, p.Val13218Ile (NM_003319.4); c.59143G>A, p.Val19715Ile (NM_133378.4); c.40027G>A, p.Val13343Ile (NM_133432.3); c.40228G>A, p.Val13410Ile (NM_133437.4); short protein forms V13218I, V13343I, V13410I, V19715I, V20642I, V22283I.
Identifiers: ClinVar variation 978758 (VCV000978758.2), dbSNP rs554828165, ClinGen allele CA1991409.

ClinVar aggregate classification (germline): Uncertain significance. Review status: criteria provided, multiple submitters, no conflicts (2 of 4 stars). 2 submissions from 2 submitters: Uncertain significance (2). Last evaluated 2026-03-02.

Conditions:
Hypertrophic cardiomyopathy. Also called: HYPERTROPHIC MYOCARDIOPATHY. Identifiers: Orphanet 217569, MedGen C0007194, MeSH D002312, MONDO:0005045, HP:0001639.

Allele frequency attached by ClinVar (database versions not stated): gnomAD below 0.00001 and 0.00001; gnomAD exomes 0.00001 and 0.00003; ExAC 0.00003; 1000 Genomes Project 30x 0.00016; 1000 Genomes Project 0.00020.
gnomAD v4.1: 23 of 1,612,788 alleles (0.0014%); highest among the groups gnomAD compares: South Asian, 0.022%; no homozygotes.

Submissions (2):

Women's Health and Genetics/Laboratory Corporation of America, LabCorp
Classification: Uncertain significance. Last evaluated: 2026-03-02. Review status: criteria provided, single submitter. Criteria: LabCorp Variant Classification Summary - May 2015. Collection method: clinical testing. Allele origin: germline.
Comment: Variant summary: TTN c.59143G>A (p.Val19715Ile) results in a conservative amino acid change in the encoded protein sequence. Algorithms developed to predict the effect of missense changes on protein structure and function are either unavailable or do not agree on the potential impact of this missense change. The variant allele was found at a frequency of 2.8e-05 in 247476 control chromosomes. The available data on variant occurrences in the general population are insufficient to allow any conclusion about variant significance. c.59143G>A has been observed in at least two individuals affected with Hypertrophic Cardiomyopathy, without strong evidence of causality (Al-Shafai_2021, Rao_2025). These reports do not provide unequivocal conclusions about association of the variant with TTN-related conditions. To our knowledge, no experimental evidence demonstrating an impact on protein function has been reported. The following publications have been ascertained in the context of this evaluation (PMID: 34137518, 41128141). ClinVar contains an entry for this variant (Variation ID: 978758). Based on the evidence outlined above, the variant was classified as uncertain significance.

Genetics and Genomics Program, Sidra Medicine
Classification: Uncertain significance for Hypertrophic cardiomyopathy. Review status: criteria provided, single submitter. Criteria: ACMG Guidelines, 2015. Collection method: research. Allele origin: unknown. Affected: yes. Observed: 1 variant allele.

Literature cited by the submitters: PubMed 34137518 (cited by Women's Health and Genetics/Laboratory Corporation of America, LabCorp); PubMed 41128141 (cited by Women's Health and Genetics/Laboratory Corporation of America, LabCorp).